The following is an entry in ClinVar:

ClinVar aggregate classification (germline): Pathogenic (1 of 4 stars; one submission).

Submission:

CeGaT Center for Human Genetics Tuebingen
Classification: Pathogenic. Last evaluated: 2025-07-01. Review status: criteria provided, single submitter. Criteria: CeGaT Center For Human Genetics Tuebingen Variant Classification Criteria Version 2. Collection method: clinical testing. Allele origin: germline. Affected: yes. Observed: 1 variant allele.
Comment: ADAR: PVS1, PM2, PM3:Supporting

NM_001111.5(ADAR):c.953T>A (p.Leu318Ter)

Gene: ADAR (adenosine deaminase RNA specific; minus strand). Cytogenetic location: 1q21.3.
Variant type: single nucleotide variant.
Coding change: c.953T>A on transcript NM_001111.5 (MANE Select); coding-DNA position 953, T replaced by A.
Protein change: p.Leu318Ter; replaces leucine 318 with a stop codon.
Molecular consequence: nonsense.
Genome position (GRCh38, 1-based): chr1:154,601,689, A>T on the plus strand (T>A on the coding strand, the complement: ADAR is on the minus strand). VCF-style: chr1-154601689-A-T. GRCh37 (hg19) VCF-style: chr1-154574165-A-T.
Other names: c.68T>A, p.Leu23Ter (NM_001025107.3, NM_001193495.2, NM_001365046.1 and 3 more transcripts); c.980T>A, p.Leu327Ter (NM_001365045.1); c.953T>A, p.Leu318Ter (NM_015840.4, NM_015841.4); short protein forms L23*, L318*, L327*.
Identifiers: ClinVar variation 4085593 (VCV004085593.8).